The following is an entry in ClinVar:

NM_000498.3(CYP11B2):c.1398+1G>A

Genes: CYP11B2 (cytochrome P450 family 11 subfamily B member 2; minus strand), LOC106799834 (CYP11B2 recombination region; plus strand). Cytogenetic location: 8q24.3.
Variant type: single nucleotide variant.
Coding change: c.1398+1G>A on transcript NM_000498.3 (MANE Select); the canonical splice donor site of the intron after coding-DNA position 1398, G replaced by A.
Molecular consequence: splice donor variant.
Genome position (GRCh38, 1-based): chr8:142,912,529, C>T on the plus strand (G>A on the coding strand, the complement: CYP11B2 is on the minus strand). VCF-style: chr8-142912529-C-T. GRCh37 (hg19) VCF-style: chr8-143993945-C-T.
Identifiers: ClinVar variation 834390 (VCV000834390.46), dbSNP rs539836429, ClinGen allele CA4905824.
Genomic context (GRCh38, chr8:142,912,529, plus strand): 5'-CCCAGTGTGCAGGTCCCGCCTCTGCTGCCCAGGTCCCGCCCCCGCCCCCAGGCCTGCTTA[C>T]GTGGTGCAGCAGCAGCAGCATCTCTGCCTCTGCCAGGCGCCGCCCGAGGCACTGGCGCAT-3'

ClinVar aggregate classification (germline): Pathogenic/Likely pathogenic. Review status: criteria provided, multiple submitters, no conflicts (2 of 4 stars). 6 submissions from 6 submitters: Pathogenic (4); Likely pathogenic (2). Last evaluated 2025-10-24.

Conditions:
Corticosterone methyl oxidase type II deficiency.
CYP11B2-related disorders.
Corticosterone 18-monooxygenase deficiency. Also called: ALDOSTERONE DEFICIENCY DUE TO DEFECT IN STEROID 18-HYDROXYLASE; ALDOSTERONE DEFICIENCY I; CMO I DEFICIENCY; STEROID 18-HYDROXYLASE DEFICIENCY; 18 Hydroxylase deficiency; Aldosterone deficiency due to defect in 18 hydroxylase. Identifiers: Orphanet 427, MedGen C0268293, MONDO:0008751, OMIM 203400. Disease mechanism: loss of function.
Corticosterone methyloxidase type 2 deficiency. Also called: 18-OXIDASE DEFICIENCY; ALDOSTERONE DEFICIENCY DUE TO DEFICIENCY OF STEROID 18-OXIDASE; ALDOSTERONE DEFICIENCY II; CMO II DEFICIENCY; STEROID 18-OXIDASE DEFICIENCY. Identifiers: Orphanet 427, MedGen C3463917, MONDO:0012524, OMIM 610600. Disease mechanism: loss of function.

Allele frequency attached by ClinVar (database versions not stated): gnomAD 0.00004 and 0.00005; TOPMed 0.00006; 1000 Genomes Project 30x 0.00016; 1000 Genomes Project 0.00020.
gnomAD v4.1: 134 of 1,602,662 alleles (0.0084%); highest among the groups gnomAD compares: Non-Finnish European, 0.01%; no homozygotes.

Submissions (6):

Natera, Inc.
Classification: Pathogenic for Corticosterone methyl oxidase type II deficiency. Last evaluated: 2025-10-24. Review status: criteria provided, single submitter. Criteria: Natera Variant Classification Schema (03/2026). Collection method: clinical testing. Allele origin: germline.
Comment: The c.1398+1G>A variant in CYP11B2 is a canonical splice donor site variant predicted to affect pre-mRNA splicing, which may result in an abnormal transcript and altered protein product. This variant is expected to result in nonsense mediated decay, truncation, or a dysfunctional protein product. This variant is rare in the general population with a frequency below the threshold expected for the associated phenotype(s). This variant has been observed in one or more individuals affected with the associated recessive disease, as either homozygous or compound heterozygous with a second variant (PMID: 25968592, 33098647). Given the available evidence, this variant is classified as Pathogenic.

Labcorp Genetics (formerly Invitae), Labcorp
Classification: Pathogenic. Last evaluated: 2025-10-19. Review status: criteria provided, single submitter. Criteria: Invitae Variant Classification Sherloc (09022015). Collection method: clinical testing. Allele origin: germline.
Comment: This sequence change affects a donor splice site in intron 8 of the CYP11B2 gene. While this variant is not anticipated to result in nonsense mediated decay, it likely alters RNA splicing and results in a disrupted protein product. This variant is present in population databases (rs539836429, gnomAD 0.003%). Disruption of this splice site has been observed in individuals with aldosterone synthase deficiency (PMID: 25968592, 29201470). This variant is also known as c.2798+1G>A. ClinVar contains an entry for this variant (Variation ID: 834390). Variants that disrupt the consensus splice site are a relatively common cause of aberrant splicing (PMID: 17576681, 9536098). Algorithms developed to predict the effect of sequence changes on RNA splicing suggest that this variant may disrupt the consensus splice site. This variant disrupts the p.Thr498 amino acid residue in CYP11B2. Other variant(s) that disrupt this residue have been determined to be pathogenic (PMID: 12788848, 21237269). This suggests that this residue is clinically significant, and that variants that disrupt this residue are likely to be disease-causing. For these reasons, this variant has been classified as Pathogenic.

GeneDx
Classification: Likely pathogenic. Last evaluated: 2025-04-14. Review status: criteria provided, single submitter. Criteria: GeneDx Variant Classification Process June 2021. Collection method: clinical testing. Allele origin: germline. Affected: yes.
Comment: Previously reported in probands with aldosterone synthase deficiency, who harbored a second CYP11B2 variant, however segregation data were not reported (PMID: 33098647, 25968592); Canonical splice site variant predicted to result in an in-frame loss of the adjacent exon in a gene for which loss of function is a known mechanism of disease; This variant is associated with the following publications: (PMID: 33098647, 25968592, 21237269, 29201470, 12788848)

CeGaT Center for Human Genetics Tuebingen
Classification: Pathogenic. Last evaluated: 2022-11-01. Review status: criteria provided, single submitter. Criteria: CeGaT Center For Human Genetics Tuebingen Variant Classification Criteria Version 2. Collection method: clinical testing. Allele origin: germline. Affected: yes. Observed: 1 variant allele.

Fulgent Genetics
Classification: Likely pathogenic for Corticosterone 18-monooxygenase deficiency; Corticosterone methyloxidase type 2 deficiency. Last evaluated: 2022-02-18. Review status: criteria provided, single submitter. Criteria: ACMG Guidelines, 2015. Collection method: clinical testing. Allele origin: unknown.

Blueprint Genetics
Classification: Pathogenic for CYP11B2-related disorders. Last evaluated: 2021-06-23. Review status: criteria provided, single submitter. Criteria: ACMG Guidelines, 2015. Collection method: clinical testing. Allele origin: germline. Affected: yes. Observed: 1 variant allele.

Literature cited by the submitters: PubMed 25968592 (cited by Natera, Inc. and Labcorp Genetics (formerly Invitae), Labcorp); PubMed 33098647 (cited by Natera, Inc.); PubMed 29201470 (cited by Labcorp Genetics (formerly Invitae), Labcorp); PubMed 17576681 (cited by Labcorp Genetics (formerly Invitae), Labcorp); PubMed 9536098 (cited by Labcorp Genetics (formerly Invitae), Labcorp); PubMed 12788848 (cited by Labcorp Genetics (formerly Invitae), Labcorp); PubMed 21237269 (cited by Labcorp Genetics (formerly Invitae), Labcorp).